The following is an entry in ClinVar:

NM_182961.4(SYNE1):c.20762G>A (p.Ser6921Asn)

Gene: SYNE1 (spectrin repeat containing nuclear envelope protein 1; minus strand). Cytogenetic location: 6q25.2.
Variant type: single nucleotide variant.
Coding change: c.20762G>A on transcript NM_182961.4 (MANE Select); coding-DNA position 20762, G replaced by A.
Protein change: p.Ser6921Asn; replaces serine 6921 with asparagine.
Molecular consequence: missense variant.
Genome position (GRCh38, 1-based): chr6:152,232,216, C>T on the plus strand (G>A on the coding strand, the complement: SYNE1 is on the minus strand). VCF-style: chr6-152232216-C-T. GRCh37 (hg19) VCF-style: chr6-152553351-C-T.
Other names: c.20549G>A, p.Ser6850Asn (NM_033071.5); c.20549G>A (NM_033071.3); short protein forms S6850N, S6921N.
Identifiers: ClinVar variation 1506614 (VCV001506614.7), dbSNP rs372288820, ClinGen allele CA4054330.

ClinVar aggregate classification (germline): Uncertain significance. Review status: criteria provided, multiple submitters, no conflicts (2 of 4 stars). 2 submissions from 2 submitters: Uncertain significance (2). Last evaluated 2025-03-12.

Conditions:
Autosomal recessive ataxia, Beauce type. Also called: SYNE1-Related Autosomal Recessive Cerebellar Ataxia; Spinocerebellar ataxia, autosomal recessive 8; ATAXIA, RECESSIVE, OF BEAUCE; SYNE1 Deficiency. Identifiers: Orphanet 88644, MedGen C1853116, MONDO:0012549, OMIM 610743.
Emery-Dreifuss muscular dystrophy 4, autosomal dominant (EDMD4). Also called: EMERY-DREIFUSS MUSCULAR DYSTROPHY 4 WITH VARIABLE FEATURES. Identifiers: Orphanet 261, MedGen C2751807, MONDO:0013071, OMIM 612998.

Allele frequency attached by ClinVar (database versions not stated): gnomAD exomes 0.00001; ExAC 0.00002; ESP Exome Variant Server 0.00023.
gnomAD v4.1: 3 of 1,613,850 alleles (0.00019%); highest among the groups gnomAD compares: African/African-American, 0.004%; no homozygotes.

Submissions (2):

Revvity Omics, Revvity
Classification: Uncertain significance. Last evaluated: 2025-03-12. Review status: criteria provided, single submitter. Criteria: ACMG Guidelines, 2015. Collection method: clinical testing. Allele origin: germline.

Labcorp Genetics (formerly Invitae), Labcorp
Classification: Uncertain significance for Emery-Dreifuss muscular dystrophy 4, autosomal dominant; Autosomal recessive ataxia, Beauce type. Last evaluated: 2022-06-03. Review status: criteria provided, single submitter. Criteria: Invitae Variant Classification Sherloc (09022015). Collection method: clinical testing. Allele origin: germline.
Comment: This variant is present in population databases (rs372288820, gnomAD 0.02%). In summary, the available evidence is currently insufficient to determine the role of this variant in disease. Therefore, it has been classified as a Variant of Uncertain Significance. Algorithms developed to predict the effect of missense changes on protein structure and function are either unavailable or do not agree on the potential impact of this missense change (SIFT: "Deleterious"; PolyPhen-2: "Benign"; Align-GVGD: "Class C0"). ClinVar contains an entry for this variant (Variation ID: 1506614). This variant has not been reported in the literature in individuals affected with SYNE1-related conditions. This sequence change replaces serine, which is neutral and polar, with asparagine, which is neutral and polar, at codon 6850 of the SYNE1 protein (p.Ser6850Asn).